The following is an entry in ClinVar:

ClinVar aggregate classification (germline): Uncertain significance. Review status: criteria provided, multiple submitters, no conflicts (2 of 4 stars). 2 submissions from 2 submitters: Uncertain significance (2). Last evaluated 2024-12-05.

Conditions:
Inborn genetic diseases. Identifiers: MedGen C0950123, MeSH D030342.

Allele frequency attached by ClinVar (database versions not stated): gnomAD exomes 0.00001; gnomAD 0.00003; TOPMed 0.00005; ESP Exome Variant Server 0.00008; 1000 Genomes Project 30x 0.00016; 1000 Genomes Project 0.00020.

Submissions (2):

Ambry Genetics
Classification: Uncertain significance for Inborn genetic diseases. Last evaluated: 2024-12-05. Review status: criteria provided, single submitter. Criteria: Ambry Variant Classification Scheme 2023. Collection method: clinical testing. Allele origin: germline.

Labcorp Genetics (formerly Invitae), Labcorp
Classification: Uncertain significance. Last evaluated: 2022-02-17. Review status: criteria provided, single submitter. Criteria: Invitae Variant Classification Sherloc (09022015). Collection method: clinical testing. Allele origin: germline.
Comment: This sequence change replaces arginine, which is basic and polar, with glutamine, which is neutral and polar, at codon 541 of the EIF2B5 protein (p.Arg541Gln). This variant is present in population databases (rs192815216, gnomAD 0.01%). This variant has not been reported in the literature in individuals affected with EIF2B5-related conditions. Advanced modeling of protein sequence and biophysical properties (such as structural, functional, and spatial information, amino acid conservation, physicochemical variation, residue mobility, and thermodynamic stability) performed at Invitae indicates that this missense variant is not expected to disrupt EIF2B5 protein function. In summary, the available evidence is currently insufficient to determine the role of this variant in disease. Therefore, it has been classified as a Variant of Uncertain Significance.

NM_003907.3(EIF2B5):c.1622G>A (p.Arg541Gln)

Gene: EIF2B5 (eukaryotic translation initiation factor 2B subunit epsilon; plus strand). Cytogenetic location: 3q27.1.
Variant type: single nucleotide variant.
Coding change: c.1622G>A on transcript NM_003907.3 (MANE Select); coding-DNA position 1622, G replaced by A.
Protein change: p.Arg541Gln; replaces arginine 541 with glutamine.
Molecular consequence: missense variant.
Genome position (GRCh38, 1-based): chr3:184,142,854, G>A. VCF-style: chr3-184142854-G-A. GRCh37 (hg19) VCF-style: chr3-183860642-G-A.
Other names: c.1622G>A (NM_003907.2); short protein forms R541Q.
Identifiers: ClinVar variation 2080934 (VCV002080934.2), dbSNP rs192815216, ClinGen allele CA88843719.